The following is an entry in ClinVar:

ClinVar aggregate classification (germline): Uncertain significance. Review status: criteria provided, multiple submitters, no conflicts (2 of 4 stars). 2 submissions from 2 submitters: Uncertain significance (2). Last evaluated 2021-03-08.

Conditions:
EAST syndrome (SESAMES). Also called: SEIZURES, SENSORINEURAL DEAFNESS, ATAXIA, IMPAIRED INTELLECTUAL DEVELOPMENT, AND ELECTROLYTE IMBALANCE. Identifiers: Orphanet 199343, MedGen C2748572, MONDO:0013005, OMIM 612780.

gnomAD v4.1: 6 of 1,614,138 alleles (0.00037%); highest among the groups gnomAD compares: Middle Eastern, 0.033%; no homozygotes.

Submissions (2):

Labcorp Genetics (formerly Invitae), Labcorp
Classification: Uncertain significance for EAST syndrome. Last evaluated: 2021-03-08. Review status: criteria provided, single submitter. Criteria: Invitae Variant Classification Sherloc (09022015). Collection method: clinical testing. Allele origin: germline.
Comment: This sequence change replaces arginine with proline at codon 48 of the KCNJ10 protein (p.Arg48Pro). The arginine residue is moderately conserved and there is a moderate physicochemical difference between arginine and proline. This variant is not present in population databases (ExAC no frequency). This variant has not been reported in the literature in individuals with KCNJ10-related disease. Algorithms developed to predict the effect of missense changes on protein structure and function are either unavailable or do not agree on the potential impact of this missense change (SIFT: "Tolerated"; PolyPhen-2: "Possibly Damaging"; Align-GVGD: "Class C0"). In summary, the available evidence is currently insufficient to determine the role of this variant in disease. Therefore, it has been classified as a Variant of Uncertain Significance.

New York Genome Center
Classification: Uncertain significance for EAST syndrome. Last evaluated: 2019-09-17. Review status: criteria provided, single submitter. Criteria: NYGC Assertion Criteria 2020. Collection method: clinical testing. Allele origin: germline. Inheritance: Autosomal recessive inheritance. Observed: 1 heterozygote. Study: CSER-NYCKidSeq.

NM_002241.5(KCNJ10):c.143G>C (p.Arg48Pro)

Gene: KCNJ10 (potassium inwardly rectifying channel subfamily J member 10; minus strand). Cytogenetic location: 1q23.2.
Variant type: single nucleotide variant.
Coding change: c.143G>C on transcript NM_002241.5 (MANE Select); coding-DNA position 143, G replaced by C.
Protein change: p.Arg48Pro; replaces arginine 48 with proline.
Molecular consequence: missense variant.
Genome position (GRCh38, 1-based): chr1:160,042,390, C>G on the plus strand (G>C on the coding strand, the complement: KCNJ10 is on the minus strand). VCF-style: chr1-160042390-C-G. GRCh37 (hg19) VCF-style: chr1-160012180-C-G.
Other names: short protein forms R48P.
Identifiers: ClinVar variation 665846 (VCV000665846.10), dbSNP rs201907875, ClinGen allele CA343229948.
Genomic context (GRCh38, chr1:160,042,390, plus strand): 5'-AGCTTGTAGCGCCACTGCATGTCAATGAAGGTTGTCCACAGGTCCTTGAGGTAGAGGAAG[C>G]GCTTGTCGGCAATGTGCTCCATTCTCACGTTGCTGCGACCATCTTTTGTCAGGACTCTCC-3'
Protein context (NP_002232.2, residues 38-58): NVRMEHIADK[Arg48Pro]FLYLKDLWTT